The following is an entry in ClinVar:

NM_005219.5(DIAPH1):c.1269C>A (p.Asp423Glu)

Gene: DIAPH1 (diaphanous related formin 1; minus strand). Cytogenetic location: 5q31.3.
Variant type: single nucleotide variant.
Coding change: c.1269C>A on transcript NM_005219.5 (MANE Select); coding-DNA position 1269, C replaced by A.
Protein change: p.Asp423Glu; replaces aspartic acid 423 with glutamic acid.
Molecular consequence: missense variant.
Genome position (GRCh38, 1-based): chr5:141,577,486, G>T on the plus strand (C>A on the coding strand, the complement: DIAPH1 is on the minus strand). VCF-style: chr5-141577486-G-T. GRCh37 (hg19) VCF-style: chr5-140957053-G-T.
Other names: c.1242C>A, p.Asp414Glu (NM_001079812.3); c.1269C>A, p.Asp423Glu (NM_001314007.2); short protein forms D423E, D414E.
Identifiers: ClinVar variation 4792245 (VCV004792245.1).

ClinVar aggregate classification (germline): Uncertain significance (1 of 4 stars; one submission).

Conditions:
Progressive microcephaly-seizures-cortical blindness-developmental delay syndrome. Also called: Seizures, cortical blindness, and microcephaly syndrome. Identifiers: Orphanet 477814, MedGen C5567650, MONDO:0014714, OMIM 616632.
Autosomal dominant nonsyndromic hearing loss 1. Also called: KONIGSMARK SYNDROME; DEAFNESS, AUTOSOMAL DOMINANT 1, WITH OR WITHOUT THROMBOCYTOPENIA. Identifiers: Orphanet 90635, MedGen C1852282, MONDO:0007424, OMIM 124900.

gnomAD v4.1: 2 of 1,611,484 alleles (0.00012%); highest among the groups gnomAD compares: Non-Finnish European, 0.00017%; no homozygotes.

Submission:

Labcorp Genetics (formerly Invitae), Labcorp
Classification: Uncertain significance for Progressive microcephaly-seizures-cortical blindness-developmental delay syndrome; Autosomal dominant nonsyndromic hearing loss 1. Last evaluated: 2025-09-28. Review status: criteria provided, single submitter. Criteria: Invitae Variant Classification Sherloc (09022015). Collection method: clinical testing. Allele origin: germline.
Comment: This sequence change replaces aspartic acid, which is acidic and polar, with glutamic acid, which is acidic and polar, at codon 423 of the DIAPH1 protein (p.Asp423Glu). This variant is present in population databases (rs367981585, gnomAD 0.0009%). This variant has not been reported in the literature in individuals affected with DIAPH1-related conditions. Experimental studies and prediction algorithms are not available or were not evaluated, and the functional significance of this variant is currently unknown. In summary, the available evidence is currently insufficient to determine the role of this variant in disease. Therefore, it has been classified as a Variant of Uncertain Significance.